The following is an entry in ClinVar:

NM_017654.4(SAMD9):c.4085T>C (p.Met1362Thr)

Gene: SAMD9 (sterile alpha motif domain containing 9; minus strand). Cytogenetic location: 7q21.2.
Variant type: single nucleotide variant.
Coding change: c.4085T>C on transcript NM_017654.4 (MANE Select); coding-DNA position 4085, T replaced by C.
Protein change: p.Met1362Thr; replaces methionine 1362 with threonine.
Molecular consequence: missense variant.
Genome position (GRCh38, 1-based): chr7:93,102,013, A>G on the plus strand (T>C on the coding strand, the complement: SAMD9 is on the minus strand). VCF-style: chr7-93102013-A-G. GRCh37 (hg19) VCF-style: chr7-92731326-A-G.
Other names: c.4085T>C, p.Met1362Thr (NM_001193307.2); short protein forms M1362T.
Identifiers: ClinVar variation 3949478 (VCV003949478.1).
Genomic context (GRCh38, chr7:93,102,013, plus strand): 5'-GACTGGATTTTGACAGTGCATTGTTCTAAGAGAAAAGTATATTCGTTCACTATACATTTC[A>G]TAGTGCTTATAGCATCCTCTTGACTTTTGATAAGATATTCCAAGAGCCCAGAAAACTTGT-3'
Protein context (NP_060124.2, residues 1352-1372): IKSQEDAIST[Met1362Thr]KCIVNEYTFL

ClinVar aggregate classification (germline): Uncertain significance (1 of 4 stars; one submission).

Conditions:
Inborn genetic diseases. Identifiers: MedGen C0950123, MeSH D030342.

Submission:

Ambry Genetics
Classification: Uncertain significance for Inborn genetic diseases. Last evaluated: 2025-03-25. Review status: criteria provided, single submitter. Criteria: Ambry Variant Classification Scheme 2023. Collection method: clinical testing. Allele origin: germline.
Comment: The p.M1362T variant (also known as c.4085T>C), located in coding exon 1 of the SAMD9 gene, results from a T to C substitution at nucleotide position 4085. The methionine at codon 1362 is replaced by threonine, an amino acid with similar properties. This amino acid position is conserved. In addition, this alteration is predicted to be tolerated by in silico analysis. Based on the available evidence, the clinical significance of this variant remains unclear.